The following is an entry in ClinVar:

NM_001395413.1(POR):c.1939G>A (p.Val647Met)

Gene: POR (cytochrome p450 oxidoreductase; plus strand). Cytogenetic location: 7q11.23.
Variant type: single nucleotide variant.
Coding change: c.1939G>A on transcript NM_001395413.1 (MANE Select); coding-DNA position 1939, G replaced by A.
Protein change: p.Val647Met; replaces valine 647 with methionine.
Molecular consequence: missense variant.
Genome position (GRCh38, 1-based): chr7:75,986,386, G>A. VCF-style: chr7-75986386-G-A. GRCh37 (hg19) VCF-style: chr7-75615704-G-A.
Other names: c.1939G>A, p.Val647Met (NM_001367562.3, NM_001382657.2, NM_001382658.3 and 1 more transcripts); c.1993G>A, p.Val665Met (NM_001382655.3); c.1789G>A, p.Val597Met (NM_001382662.3); short protein forms V597M, V647M, V665M.
Identifiers: ClinVar variation 360722 (VCV000360722.9), dbSNP rs148175064, ClinGen allele CA4304378.

ClinVar aggregate classification (germline): Uncertain significance. Review status: criteria provided, multiple submitters, no conflicts (2 of 4 stars). 3 submissions from 3 submitters: Uncertain significance (3). Last evaluated 2022-06-13.

Conditions:
Congenital adrenal hyperplasia due to cytochrome P450 oxidoreductase deficiency. Also called: DISORDERED STEROIDOGENESIS DUE TO POR DEFICIENCY. Identifiers: Orphanet 95699, MedGen C1860042, MONDO:0013310, OMIM 613571.
Antley-Bixler syndrome with genital anomalies and disordered steroidogenesis (ABS1). Also called: POR Deficiency. Identifiers: Orphanet 63269, MedGen C3150099, MONDO:0008726, OMIM 201750.

Allele frequency attached by ClinVar (database versions not stated): gnomAD exomes 0.00003 and 0.00014; gnomAD 0.00004 and 0.00005; TOPMed 0.00007; ExAC 0.00016; 1000 Genomes Project 0.00040; 1000 Genomes Project 30x 0.00062.
gnomAD v4.1: 53 of 1,612,582 alleles (0.0033%); highest among the groups gnomAD compares: East Asian, 0.1%; no homozygotes.

Submissions (3):

Labcorp Genetics (formerly Invitae), Labcorp
Classification: Uncertain significance for Congenital adrenal hyperplasia due to cytochrome P450 oxidoreductase deficiency. Last evaluated: 2022-06-13. Review status: criteria provided, single submitter. Criteria: Invitae Variant Classification Sherloc (09022015). Collection method: clinical testing. Allele origin: germline.
Comment: This sequence change replaces valine, which is neutral and non-polar, with methionine, which is neutral and non-polar, at codon 650 of the POR protein (p.Val650Met). This variant is present in population databases (rs148175064, gnomAD 0.2%). This variant has not been reported in the literature in individuals affected with POR-related conditions. ClinVar contains an entry for this variant (Variation ID: 360722). Algorithms developed to predict the effect of missense changes on protein structure and function are either unavailable or do not agree on the potential impact of this missense change (SIFT: "Deleterious"; PolyPhen-2: "Possibly Damaging"; Align-GVGD: "Class C0"). In summary, the available evidence is currently insufficient to determine the role of this variant in disease. Therefore, it has been classified as a Variant of Uncertain Significance.

Illumina Laboratory Services, Illumina
Classification: Uncertain significance for Congenital adrenal hyperplasia due to cytochrome P450 oxidoreductase deficiency. Last evaluated: 2018-01-13. Review status: criteria provided, single submitter. Criteria: ICSL Variant Classification Criteria 13 December 2019. Collection method: clinical testing. Allele origin: germline.

Juno Genomics, Hangzhou Juno Genomics, Inc
Classification: Uncertain significance for Antley-Bixler syndrome with genital anomalies and disordered steroidogenesis; Congenital adrenal hyperplasia due to cytochrome P450 oxidoreductase deficiency. Review status: criteria provided, single submitter. Criteria: ACMG Guidelines, 2015. Collection method: clinical testing. Allele origin: germline.
Comment: Absent from controls (or at extremely low frequency if recessive) in Genome Aggregation Database.